The following is an entry in ClinVar:

NM_138694.4(PKHD1):c.10976C>G (p.Ser3659Ter)

Gene: PKHD1 (PKHD1 ciliary IPT domain containing fibrocystin/polyductin; minus strand). Cytogenetic location: 6p12.3.
Variant type: single nucleotide variant.
Coding change: c.10976C>G on transcript NM_138694.4 (MANE Select); coding-DNA position 10976, C replaced by G.
Protein change: p.Ser3659Ter; replaces serine 3659 with a stop codon.
Molecular consequence: nonsense.
Genome position (GRCh38, 1-based): chr6:51,659,150, G>C on the plus strand (C>G on the coding strand, the complement: PKHD1 is on the minus strand). VCF-style: chr6-51659150-G-C. GRCh37 (hg19) VCF-style: chr6-51523948-G-C.
Other names: short protein forms S3659*.
Identifiers: ClinVar variation 1454052 (VCV001454052.6), dbSNP rs1562040106, ClinGen allele CA364430825.

ClinVar aggregate classification (germline): Pathogenic (1 of 4 stars; one submission).

Conditions:
Autosomal recessive polycystic kidney disease (ARPKD). Also called: AR polycystic kidney disease. Identifiers: Orphanet 731, Orphanet 8378, MedGen C0085548, MeSH D017044, MONDO:0009889.

Allele frequency attached by ClinVar (database versions not stated): gnomAD exomes below 0.00001.
gnomAD v4.1: 2 of 1,613,726 alleles (0.00012%); highest among the groups gnomAD compares: Non-Finnish European, 0.00017%; no homozygotes.

Submission:

Labcorp Genetics (formerly Invitae), Labcorp
Classification: Pathogenic for Autosomal recessive polycystic kidney disease. Last evaluated: 2022-09-27. Review status: criteria provided, single submitter. Criteria: Invitae Variant Classification Sherloc (09022015). Collection method: clinical testing. Allele origin: germline.
Comment: This sequence change creates a premature translational stop signal (p.Ser3659*) in the PKHD1 gene. It is expected to result in an absent or disrupted protein product. Loss-of-function variants in PKHD1 are known to be pathogenic (PMID: 19940839). This variant is not present in population databases (gnomAD no frequency). This variant has not been reported in the literature in individuals affected with PKHD1-related conditions. ClinVar contains an entry for this variant (Variation ID: 1454052). For these reasons, this variant has been classified as Pathogenic.

Literature cited by the submitters: PubMed 19940839.